The following is an entry in ClinVar:

ClinVar aggregate classification (germline): Uncertain significance. Review status: criteria provided, multiple submitters, no conflicts (2 of 4 stars). 2 submissions from 2 submitters: Uncertain significance (2). Last evaluated 2026-01-18.

Conditions:
Gorlin syndrome. Also called: Basal cell nevus syndrome; Nevoid Basal Cell Carcinoma Syndrome. Identifiers: Orphanet 377, MedGen C0004779, MONDO:0007187.
Hereditary cancer-predisposing syndrome. Also called: Hereditary neoplastic syndrome; Hereditary Cancer Syndrome; Neoplastic Syndromes, Hereditary; Tumor predisposition. Identifiers: Orphanet 140162, MedGen C0027672, MeSH D009386, MONDO:0015356.

Submissions (2):

Labcorp Genetics (formerly Invitae), Labcorp
Classification: Uncertain significance for Gorlin syndrome. Last evaluated: 2026-01-18. Review status: criteria provided, single submitter. Criteria: Invitae Variant Classification Sherloc (09022015). Collection method: clinical testing. Allele origin: germline.
Comment: This sequence change replaces glycine, which is neutral and non-polar, with alanine, which is neutral and non-polar, at codon 1023 of the PTCH1 protein (p.Gly1023Ala). This variant is not present in population databases (gnomAD no frequency). This variant has not been reported in the literature in individuals affected with PTCH1-related conditions. ClinVar contains an entry for this variant (Variation ID: 1375089). Invitae Evidence Modeling of protein sequence and biophysical properties (such as structural, functional, and spatial information, amino acid conservation, physicochemical variation, residue mobility, and thermodynamic stability) indicates that this missense variant is not expected to disrupt PTCH1 protein function with a negative predictive value of 95%. In summary, the available evidence is currently insufficient to determine the role of this variant in disease. Therefore, it has been classified as a Variant of Uncertain Significance.

Ambry Genetics
Classification: Uncertain significance for Hereditary cancer-predisposing syndrome. Last evaluated: 2025-08-22. Review status: criteria provided, single submitter. Criteria: Ambry Variant Classification Scheme 2023. Collection method: clinical testing. Allele origin: germline.
Comment: The p.G1023A variant (also known as c.3068G>C), located in coding exon 18 of the PTCH1 gene, results from a G to C substitution at nucleotide position 3068. The glycine at codon 1023 is replaced by alanine, an amino acid with similar properties. This amino acid position is conserved. In addition, this alteration is predicted to be tolerated by in silico analysis. Since supporting evidence is limited at this time, the clinical significance of this alteration remains unclear.

NM_000264.5(PTCH1):c.3068G>C (p.Gly1023Ala)

Gene: PTCH1 (patched 1; minus strand). Cytogenetic location: 9q22.32.
Variant type: single nucleotide variant.
Coding change: c.3068G>C on transcript NM_000264.5 (MANE Select); coding-DNA position 3068, G replaced by C.
Protein change: p.Gly1023Ala; replaces glycine 1023 with alanine.
Molecular consequence: missense variant. On other transcripts: non-coding transcript variant (1).
Genome position (GRCh38, 1-based): chr9:95,458,113, C>G on the plus strand (G>C on the coding strand, the complement: PTCH1 is on the minus strand). VCF-style: chr9-95458113-C-G. GRCh37 (hg19) VCF-style: chr9-98220395-C-G.
Other names: c.2870G>C, p.Gly957Ala (NM_001083602.3); c.3065G>C, p.Gly1022Ala (NM_001083603.3); c.2615G>C, p.Gly872Ala (NM_001083604.3, NM_001083605.3, NM_001083606.3 and 1 more transcripts); c.2912G>C, p.Gly971Ala (NM_001354918.2); c.3068G>C (NM_000264.3); short protein forms G1022A, G971A, G872A, G1023A, G957A.
Identifiers: ClinVar variation 1375089 (VCV001375089.9), dbSNP rs1588540060, ClinGen allele CA374112454.